The following is an entry in ClinVar:

ClinVar aggregate classification (germline): Pathogenic (1 of 4 stars; one submission).

Allele frequency attached by ClinVar (database versions not stated): gnomAD exomes below 0.00001; ExAC 0.00001.
gnomAD v4.1: 4 of 1,611,752 alleles (0.00025%); highest among the groups gnomAD compares: African/African-American, 0.0013%; no homozygotes.

Submission:

Labcorp Genetics (formerly Invitae), Labcorp
Classification: Pathogenic. Last evaluated: 2023-05-02. Review status: criteria provided, single submitter. Criteria: Invitae Variant Classification Sherloc (09022015). Collection method: clinical testing. Allele origin: germline.
Comment: This variant is present in population databases (rs753092439, gnomAD 0.0009%). For these reasons, this variant has been classified as Pathogenic. This variant has not been reported in the literature in individuals affected with ADAMTSL4-related conditions. This sequence change creates a premature translational stop signal (p.Gln333*) in the ADAMTSL4 gene. It is expected to result in an absent or disrupted protein product. Loss-of-function variants in ADAMTSL4 are known to be pathogenic (PMID: 20564469, 28642162).

Literature cited by the submitters: PubMed 20564469; PubMed 28642162.

NM_019032.6(ADAMTSL4):c.997C>T (p.Gln333Ter)

Genes: ADAMTSL4-AS2 (ADAMTSL4 antisense RNA 2; minus strand), ADAMTSL4 (ADAMTS like 4; plus strand). Cytogenetic location: 1q21.2.
Variant type: single nucleotide variant.
Coding change: c.997C>T on transcript NM_019032.6 (MANE Select); coding-DNA position 997, C replaced by T.
Protein change: p.Gln333Ter; replaces glutamine 333 with a stop codon.
Molecular consequence: nonsense.
Genome position (GRCh38, 1-based): chr1:150,553,988, C>T. VCF-style: chr1-150553988-C-T. GRCh37 (hg19) VCF-style: chr1-150526464-C-T.
Other names: c.997C>T, p.Gln333Ter (NM_001288607.2, NM_001288608.2, NM_001378596.1 and 1 more transcripts); short protein forms Q333*.
Identifiers: ClinVar variation 2861521 (VCV002861521.3), dbSNP rs753092439, ClinGen allele CA1078093.
Genomic context (GRCh38, chr1:150,553,988, plus strand): 5'-GGCCAAGGGCCTTGGGGAACGGGGGGGACTCCTCACGGGCCCCGCCTGGAGCCTGACCCT[C>T]AGCACCCGGGCGCCTGGCTGCCCCTGCTGAGCAACGGCCCCCATGCCAGCTCCCTCTGGA-3'